The following is an entry in ClinVar:

ClinVar aggregate classification (germline): Likely benign (0 of 4 stars; one submission).

Conditions:
DENND4B-related disorder. Also called: DENND4B-related condition.

Allele frequency attached by ClinVar (database versions not stated): gnomAD 0.00001; TOPMed 0.00001; gnomAD exomes 0.00003; ExAC 0.00004.

Submission:

PreventionGenetics, part of Exact Sciences
Classification: Likely benign for DENND4B-related condition. Last evaluated: 2022-11-18. Review status: no assertion criteria provided. Collection method: clinical testing. Allele origin: germline.
Comment: This variant is classified as likely benign based on ACMG/AMP sequence variant interpretation guidelines (Richards et al. 2015 PMID: 25741868, with internal and published modifications).

NM_014856.3(DENND4B):c.897C>T (p.Ser299=)

Gene: DENND4B (DENN domain containing 4B; minus strand). Cytogenetic location: 1q21.3.
Variant type: single nucleotide variant.
Coding change: c.897C>T on transcript NM_014856.3 (MANE Select); coding-DNA position 897, C replaced by T.
Protein change: p.Ser299=; no amino-acid change (serine 299 retained).
Molecular consequence: synonymous variant.
Genome position (GRCh38, 1-based): chr1:153,942,027, G>A on the plus strand (C>T on the coding strand, the complement: DENND4B is on the minus strand). VCF-style: chr1-153942027-G-A. GRCh37 (hg19) VCF-style: chr1-153914503-G-A.
Other names: c.930C>T, p.Ser310= (NM_001367466.1).
Identifiers: ClinVar variation 3053889 (VCV003053889.2), dbSNP rs760755862, ClinGen allele CA1121867.
Genomic context (GRCh38, chr1:153,942,027, plus strand): 5'-AGCGATGGCACGCCGGCTGCGCACAGCTCTGCCCCCCAGTGCCCGACCCCGCTCCACGGC[G>A]CTCAGCAGGCCCAGTGCCCGTGCCTGTCGCTCTGATAGCCTGGCCCTTGGGAACGCCTCG-3'
Protein context (NP_055671.2, residues 289-309): ERQARALGLL[Ser299=]AVERGRALGG